The following is an entry in ClinVar:

ClinVar aggregate classification (germline): Benign. Review status: criteria provided, multiple submitters, no conflicts (2 of 4 stars). 2 submissions from 2 submitters: Benign (2). Last evaluated 2018-06-14.

Allele frequency attached by ClinVar (database versions not stated): gnomAD 0.67895 and 0.68356; TOPMed 0.68624; 1000 Genomes Project 30x 0.74500; 1000 Genomes Project 0.75080.
gnomAD v4.1: 1,069,248 of 1,607,682 alleles (67%); highest among the groups gnomAD compares: East Asian, 87%; 359,567 homozygotes.

Submissions (2):

GeneDx
Classification: Benign. Last evaluated: 2018-06-14. Review status: criteria provided, single submitter. Criteria: GeneDx Variant Classification (06012015). Collection method: clinical testing. Allele origin: germline. Affected: yes.
Comment: This variant is considered likely benign or benign based on one or more of the following criteria: it is a conservative change, it occurs at a poorly conserved position in the protein, it is predicted to be benign by multiple in silico algorithms, and/or has population frequency not consistent with disease.

Breakthrough Genomics
Classification: Benign. Review status: criteria provided, single submitter. Criteria: ACMG Guidelines, 2015. Collection method: not provided. Allele origin: germline. Inheritance: Autosomal recessive inheritance. Affected: yes.

NM_004320.6(ATP2A1):c.1288-59G>C

Gene: ATP2A1 (ATPase sarcoplasmic/endoplasmic reticulum Ca2+ transporting 1; plus strand). Cytogenetic location: 16p11.2.
Variant type: single nucleotide variant.
Coding change: c.1288-59G>C on transcript NM_004320.6 (MANE Select); 59 bases into the intron before coding-DNA position 1288, G replaced by C.
Molecular consequence: intron variant.
Genome position (GRCh38, 1-based): chr16:28,894,763, G>C. VCF-style: chr16-28894763-G-C. GRCh37 (hg19) VCF-style: chr16-28906084-G-C.
Other names: c.1288-59G>C (NM_173201.5); c.913-59G>C (NM_001286075.2).
Identifiers: ClinVar variation 678082 (VCV000678082.2), dbSNP rs9931989, ClinGen allele CA14217700.